The following is an entry in ClinVar:

ClinVar aggregate classification (germline): Conflicting classifications of pathogenicity. Review status: criteria provided, conflicting classifications (1 of 4 stars). 5 submissions from 5 submitters: Likely pathogenic (3); Uncertain significance (1). 1 of the submissions does not count toward it. Last evaluated 2026-07-28.

Conditions:
Distal myopathy with posterior leg and anterior hand involvement. Also called: WILLIAMS DISTAL MYOPATHY. Identifiers: Orphanet 63273, MedGen C3279722, MONDO:0013550, OMIM 614065.
Myofibrillar myopathy 5. Also called: Filaminopathy (type); FILAMINOPATHY, AUTOSOMAL DOMINANT. Identifiers: Orphanet 171445, MedGen C1836050, MONDO:0012289, OMIM 609524.
Hypertrophic cardiomyopathy 26. Also called: Cardiomyopathy, familial hypertrophic, 26. Identifiers: Orphanet 75249, MedGen C4310749, MONDO:0014883, OMIM 617047.
Cardiovascular phenotype. Identifiers: MedGen CN230736.
FLNC-related disorder. Also called: FLNC-related disorders; FLNC-related condition.

Allele frequency attached by ClinVar (database versions not stated): gnomAD exomes below 0.00001; ExAC 0.00001.
gnomAD v4.1: 1 of 1,610,976 alleles (0.000062%); highest among the groups gnomAD compares: Non-Finnish European, 0.000085%; no homozygotes.

Submissions (5):

GeneDx
Classification: Likely pathogenic. Last evaluated: 2026-07-28. Review status: criteria provided, single submitter. Criteria: GeneDx Variant Classification Process June 2021. Collection method: clinical testing. Allele origin: germline.
Comment: Identified in two individuals undergoing exome sequencing; patient-specific clinical assessment detail was not provided (PMID: 35699965); Canonical splice site variant predicted to result in a null allele in a gene for which loss of function is a known mechanism of disease; Not observed at significant frequency in large population cohorts (gnomAD); This variant is associated with the following publications: (PMID: 27908349, 35699965)

Labcorp Genetics (formerly Invitae), Labcorp
Classification: Likely pathogenic for Distal myopathy with posterior leg and anterior hand involvement; Myofibrillar myopathy 5; Hypertrophic cardiomyopathy 26. Last evaluated: 2025-11-18. Review status: criteria provided, single submitter. Criteria: Invitae Variant Classification Sherloc (09022015). Collection method: clinical testing. Allele origin: germline.
Comment: This sequence change affects an acceptor splice site in intron 20 of the FLNC gene. It is expected to disrupt RNA splicing. Variants that disrupt the donor or acceptor splice site typically lead to a loss of protein function (PMID: 16199547), and loss-of-function variants in FLNC are known to be pathogenic (PMID: 27908349). This variant is present in population databases (rs749889670, gnomAD 0.0009%). This variant has not been reported in the literature in individuals affected with FLNC-related conditions. ClinVar contains an entry for this variant (Variation ID: 573818). Algorithms developed to predict the effect of sequence changes on RNA splicing suggest that this variant may disrupt the consensus splice site. In summary, the currently available evidence indicates that the variant is pathogenic, but additional data are needed to prove that conclusively. Therefore, this variant has been classified as Likely Pathogenic.

Ambry Genetics
Classification: Uncertain significance for Cardiovascular phenotype. Last evaluated: 2022-12-07. Review status: criteria provided, single submitter. Criteria: Ambry Variant Classification Scheme 2023. Collection method: clinical testing. Allele origin: germline.
Comment: The c.3193-2A>G intronic variant results from an A to G substitution two nucleotides upstream from coding exon 21 in the FLNC gene. Alterations that disrupt the canonical splice site are expected to result in aberrant splicing. In silico splice site analysis predicts that this alteration will weaken the native splice acceptor site and will result in the creation or strengthening of a novel splice acceptor site. The resulting transcript is predicted to be in-frame and is not expected to trigger nonsense-mediated mRNA decay; however, direct evidence is unavailable. The exact functional effect of the altered amino acid sequence is unknown. This nucleotide position is highly conserved in available vertebrate species. Since supporting evidence is limited at this time, the clinical significance of this alteration remains unclear.

Fulgent Genetics
Classification: Likely pathogenic for Myofibrillar myopathy 5; Distal myopathy with posterior leg and anterior hand involvement; Hypertrophic cardiomyopathy 26. Last evaluated: 2021-08-20. Review status: criteria provided, single submitter. Criteria: ACMG Guidelines, 2015. Collection method: clinical testing. Allele origin: unknown.

PreventionGenetics, part of Exact Sciences
Classification: Pathogenic for FLNC-related condition. Last evaluated: 2024-05-29. Review status: no assertion criteria provided. Collection method: clinical testing. Allele origin: germline. Not counted in ClinVar's aggregate classification.
Comment: The FLNC c.3193-2A>G variant is predicted to disrupt the AG splice acceptor site and interfere with normal splicing. This variant was reported in two individuals with cardiomyopathy (Carruth et al 2022. PubMed ID: 35699965). This variant is reported in 0.00089% of alleles in individuals of European (Non-Finnish) descent in gnomAD. Variants that disrupt the consensus splice acceptor site in FLNC are expected to be pathogenic. This variant is interpreted as pathogenic.

Literature cited by the submitters: PubMed 16199547 (cited by Labcorp Genetics (formerly Invitae), Labcorp); PubMed 27908349 (cited by Labcorp Genetics (formerly Invitae), Labcorp).

NM_001458.5(FLNC):c.3193-2A>G

Gene: FLNC (filamin C; plus strand). Cytogenetic location: 7q32.1.
Variant type: single nucleotide variant.
Coding change: c.3193-2A>G on transcript NM_001458.5 (MANE Select); the canonical splice acceptor site of the intron before coding-DNA position 3193, A replaced by G.
Molecular consequence: splice acceptor variant.
Genome position (GRCh38, 1-based): chr7:128,844,656, A>G. VCF-style: chr7-128844656-A-G. GRCh37 (hg19) VCF-style: chr7-128484710-A-G.
Other names: c.3193-2A>G (NM_001127487.2).
Identifiers: ClinVar variation 573818 (VCV000573818.17), dbSNP rs749889670, ClinGen allele CA4474992.